The following is an entry in ClinVar:

NM_024009.3(GJB3):c.262T>G (p.Ser88Ala)

Gene: GJB3 (gap junction protein beta 3; plus strand). Cytogenetic location: 1p34.3.
Variant type: single nucleotide variant.
Coding change: c.262T>G on transcript NM_024009.3 (MANE Select); coding-DNA position 262, T replaced by G.
Protein change: p.Ser88Ala; replaces serine 88 with alanine.
Molecular consequence: missense variant.
Genome position (GRCh38, 1-based): chr1:34,785,024, T>G. VCF-style: chr1-34785024-T-G. GRCh37 (hg19) VCF-style: chr1-35250625-T-G.
Other names: c.262T>G, p.Ser88Ala (NM_001005752.2); short protein forms S88A.
Identifiers: ClinVar variation 2999894 (VCV002999894.20), dbSNP rs1301035918, ClinGen allele CA339312658.
Genomic context (GRCh38, chr1:34,785,024, plus strand): 5'-TACTTCCCCATCTCCAACATCCGCCTCTGGGCCCTGCAGCTCATCTTCGTCACATGCCCC[T>G]CGCTGCTGGTCATCCTGCACGTGGCCTACCGTGAGGAGCGGGAGCGCCGGCACCGCCAGA-3'
Protein context (NP_076872.1, residues 78-98): ALQLIFVTCP[Ser88Ala]LLVILHVAYR

ClinVar aggregate classification (germline): Uncertain significance. Review status: criteria provided, multiple submitters, no conflicts (2 of 4 stars). 2 submissions from 2 submitters: Uncertain significance (2). Last evaluated 2024-07-01.

Allele frequency attached by ClinVar (database versions not stated): TOPMed 0.00002; gnomAD 0.00001; gnomAD exomes 0.00001.

Submissions (2):

CeGaT Center for Human Genetics Tuebingen
Classification: Uncertain significance. Last evaluated: 2024-07-01. Review status: criteria provided, single submitter. Criteria: CeGaT Center For Human Genetics Tuebingen Variant Classification Criteria Version 2. Collection method: clinical testing. Allele origin: germline. Affected: yes. Observed: 1 variant allele.
Comment: GJB3: PM2, PP3

Labcorp Genetics (formerly Invitae), Labcorp
Classification: Uncertain significance. Last evaluated: 2023-04-12. Review status: criteria provided, single submitter. Criteria: Invitae Variant Classification Sherloc (09022015). Collection method: clinical testing. Allele origin: germline.
Comment: This variant has not been reported in the literature in individuals affected with GJB3-related conditions. The frequency data for this variant in the population databases is considered unreliable, as metrics indicate poor data quality at this position in the gnomAD database. This sequence change replaces serine, which is neutral and polar, with alanine, which is neutral and non-polar, at codon 88 of the GJB3 protein (p.Ser88Ala). Advanced modeling of protein sequence and biophysical properties (such as structural, functional, and spatial information, amino acid conservation, physicochemical variation, residue mobility, and thermodynamic stability) performed at Invitae indicates that this missense variant is not expected to disrupt GJB3 protein function. In summary, the available evidence is currently insufficient to determine the role of this variant in disease. Therefore, it has been classified as a Variant of Uncertain Significance.